The following is an entry in ClinVar:

NM_001042603.3(KDM5A):c.434G>A (p.Arg145His)

Gene: KDM5A (lysine demethylase 5A; minus strand). Cytogenetic location: 12p13.33.
Variant type: single nucleotide variant.
Coding change: c.434G>A on transcript NM_001042603.3 (MANE Select); coding-DNA position 434, G replaced by A.
Protein change: p.Arg145His; replaces arginine 145 with histidine.
Molecular consequence: missense variant.
Genome position (GRCh38, 1-based): chr12:366,037, C>T on the plus strand (G>A on the coding strand, the complement: KDM5A is on the minus strand). VCF-style: chr12-366037-C-T. GRCh37 (hg19) VCF-style: chr12-475203-C-T.
Other names: short protein forms R145H.
Identifiers: ClinVar variation 3766412 (VCV003766412.1).

ClinVar aggregate classification (germline): Uncertain significance (1 of 4 stars; one submission).

gnomAD v4.1: 12 of 1,613,762 alleles (0.00074%); highest among the groups gnomAD compares: East Asian, 0.0067%; no homozygotes.

Submission:

GeneDx
Classification: Uncertain significance. Last evaluated: 2024-08-27. Review status: criteria provided, single submitter. Criteria: GeneDx Variant Classification Process June 2021. Collection method: clinical testing. Allele origin: germline. Affected: yes.
Comment: In silico analysis supports that this missense variant has a deleterious effect on protein structure/function; Has not been previously published as pathogenic or benign to our knowledge